The following is an entry in ClinVar:

ClinVar aggregate classification (germline): Uncertain significance (1 of 4 stars; one submission).

Conditions:
Baller-Gerold syndrome (BGS). Also called: CRANIOSYNOSTOSIS WITH RADIAL DEFECTS. Identifiers: Orphanet 1225, MedGen C0265308, MONDO:0009039, OMIM 218600.

Submission:

Labcorp Genetics (formerly Invitae), Labcorp
Classification: Uncertain significance for Baller-Gerold syndrome. Last evaluated: 2020-02-14. Review status: criteria provided, single submitter. Criteria: Invitae Variant Classification Sherloc (09022015). Collection method: clinical testing. Allele origin: germline.
Comment: In summary, the available evidence is currently insufficient to determine the role of this variant in disease. Therefore, it has been classified as a Variant of Uncertain Significance. Experimental studies and prediction algorithms are not available or were not evaluated, and the functional significance of this variant is currently unknown. This variant has not been reported in the literature in individuals with RECQL4-related conditions. This variant is not present in population databases (ExAC no frequency). This sequence change replaces glycine with aspartic acid at codon 231 of the RECQL4 protein (p.Gly231Asp). The glycine residue is weakly conserved and there is a moderate physicochemical difference between glycine and aspartic acid.

NM_004260.4(RECQL4):c.692G>A (p.Gly231Asp)

Gene: RECQL4 (RecQ like helicase 4; minus strand). Cytogenetic location: 8q24.3.
Variant type: single nucleotide variant.
Coding change: c.692G>A on transcript NM_004260.4 (MANE Select); coding-DNA position 692, G replaced by A.
Protein change: p.Gly231Asp; replaces glycine 231 with aspartic acid.
Molecular consequence: missense variant.
Genome position (GRCh38, 1-based): chr8:144,516,427, C>T on the plus strand (G>A on the coding strand, the complement: RECQL4 is on the minus strand). VCF-style: chr8-144516427-C-T. GRCh37 (hg19) VCF-style: chr8-145741811-C-T.
Other names: short protein forms G231D.
Identifiers: ClinVar variation 1038632 (VCV001038632.3), dbSNP rs1363657823, ClinGen allele CA372689670.
Genomic context (GRCh38, chr8:144,516,427, plus strand): 5'-CTCCCCACACGGATGCTGACTTCTTGGAAGGCTGAAGCCTCTGGGCCCTGGGAGCCAGCA[C>T]CAGGACCAAGGACAGCCGACTCACCAGGGATCAGAAGTTGTGATTCCTCTGAGCCTAGAT-3'
Protein context (NP_004251.4, residues 221-241): IPGESAVLGP[Gly231Asp]AGSQGPEASA